The following is an entry in ClinVar:

NM_015868.3(KIR2DL3):c.799C>T (p.Arg267Cys)

Gene: KIR2DL3 (killer cell immunoglobulin like receptor, two Ig domains and long cytoplasmic tail 3). Cytogenetic location: 19q13.42.
Variant type: single nucleotide variant.
Coding change: c.799C>T on transcript NM_015868.3 (MANE Select); coding-DNA position 799, C replaced by T.
Protein change: p.Arg267Cys; replaces arginine 267 with cysteine.
Molecular consequence: missense variant.
Genome position (GRCh38, 1-based): chr19:54,751,732, C>T. VCF-style: chr19-54751732-C-T. GRCh37 (hg19) VCF-style: chr19-55263184-C-T.
Other names: short protein forms R267C.
Identifiers: ClinVar variation 2650461 (VCV002650461.24), dbSNP rs146860594, ClinGen allele CA309864926.

ClinVar aggregate classification (germline): Likely benign (1 of 4 stars; one submission).

Allele frequency attached by ClinVar (database versions not stated): ESP Exome Variant Server 0.00025; 1000 Genomes Project 0.00040; ExAC 0.00054; 1000 Genomes Project 30x 0.00062.
gnomAD v4.1: 378 of 1,470,104 alleles (0.026%); highest among the groups gnomAD compares: South Asian, 0.2%; 64 homozygotes.

Submission:

CeGaT Center for Human Genetics Tuebingen
Classification: Likely benign. Last evaluated: 2023-07-01. Review status: criteria provided, single submitter. Criteria: CeGaT Center For Human Genetics Tuebingen Variant Classification Criteria Version 2. Collection method: clinical testing. Allele origin: germline. Affected: yes. Observed: 1 variant allele.
Comment: KIR2DL3: BP4, BS2